The following is an entry in ClinVar:

NM_000059.4(BRCA2):c.3131G>A (p.Cys1044Tyr)

Gene: BRCA2 (BRCA2 DNA repair associated; plus strand). Cytogenetic location: 13q13.1.
Variant type: single nucleotide variant.
Coding change: c.3131G>A on transcript NM_000059.4 (MANE Select); coding-DNA position 3131, G replaced by A.
Protein change: p.Cys1044Tyr; replaces cysteine 1044 with tyrosine.
Molecular consequence: missense variant. On other transcripts: non-coding transcript variant (1), intron variant (2).
Genome position (GRCh38, 1-based): chr13:32,337,486, G>A. VCF-style: chr13-32337486-G-A. GRCh37 (hg19) VCF-style: chr13-32911623-G-A.
Other names: c.3131G>A, p.Cys1044Tyr (NM_001406719.1, NM_001406720.1, NM_001432077.1); c.1909+4099G>A (NM_001406721.1); c.424+6456G>A (NM_001406722.1); short protein forms C1044Y.
Identifiers: ClinVar variation 3386240 (VCV003386240.1).
Genomic context (GRCh38, chr13:32,337,486, plus strand): 5'-TTAAGAAGAGCAAAATGTTCTTCAAAGATATTGAAGAACAATATCCTACTAGTTTAGCTT[G>A]TGTTGAAATTGTAAATACCTTGGCATTAGATAATCAAAAGAAACTGAGCAAGCCTCAGTC-3'
Protein context (NP_000050.3, residues 1034-1054): IEEQYPTSLA[Cys1044Tyr]VEIVNTLALD

ClinVar aggregate classification (germline): Uncertain significance (1 of 4 stars; one submission).

Conditions:
BRCA2-related cancer predisposition. Identifiers: MedGen CN377758, MONDO:0700269.

Submission:

All of Us Research Program, National Institutes of Health
Classification: Uncertain significance for BRCA2-related cancer predisposition. Last evaluated: 2024-05-14. Review status: criteria provided, single submitter. Criteria: ACMG Guidelines, 2015. Collection method: clinical testing. Allele origin: germline. Inheritance: Autosomal dominant inheritance. Observed: 1 variant allele, 1 heterozygote.
Comment: This missense variant replaces cysteine with tyrosine at codon 1044 of the BRCA2 protein. Computational prediction suggests that this variant may not impact protein structure and function. To our knowledge, functional studies have not been reported for this variant. This variant has not been reported in individuals affected with BRCA2-related disorders in the literature. This variant has not been identified in the general population by the Genome Aggregation Database (gnomAD). The available evidence is insufficient to determine the role of this variant in disease conclusively. Therefore, this variant is classified as a Variant of Uncertain Significance.

This study involves interpretation of variants in research participants for the purpose of population health screening. Participant phenotype was not available at the time of variant classification. Additional details can be found in publication PMID: 35346344, PMCID: PMC8962531